The following is an entry in ClinVar:

ClinVar aggregate classification (germline): Uncertain significance. Review status: criteria provided, multiple submitters, no conflicts (2 of 4 stars). 2 submissions from 2 submitters: Uncertain significance (2). Last evaluated 2023-11-19.

Allele frequency attached by ClinVar (database versions not stated): gnomAD 0.00001; ExAC 0.00002; gnomAD exomes 0.00002; TOPMed 0.00003.
gnomAD v4.1: 28 of 1,613,780 alleles (0.0017%); highest among the groups gnomAD compares: South Asian, 0.013%; no homozygotes.

Submissions (2):

Women's Health and Genetics/Laboratory Corporation of America, LabCorp
Classification: Uncertain significance. Last evaluated: 2023-11-19. Review status: criteria provided, single submitter. Criteria: LabCorp Variant Classification Summary - May 2015. Collection method: clinical testing. Allele origin: germline.
Comment: Variant summary: FAT4 c.5420G>A (p.Arg1807His) results in a non-conservative amino acid change located in the Cadherin-like domain (IPR002126) of the encoded protein sequence. Four of five in-silico tools predict a damaging effect of the variant on protein function. The variant allele was found at a frequency of 2e-05 in 250936 control chromosomes. The available data on variant occurrences in the general population are insufficient to allow any conclusion about variant significance. To our knowledge, no occurrence of c.5420G>A in individuals affected with FAT4-Related Disorders and no experimental evidence demonstrating its impact on protein function have been reported. One submitter has cited clinical-significance assessments for this variant to ClinVar after 2014 and has classified the variant as uncertain significance. Based on the evidence outlined above, the variant was classified as uncertain significance.

Labcorp Genetics (formerly Invitae), Labcorp
Classification: Uncertain significance. Last evaluated: 2022-06-12. Review status: criteria provided, single submitter. Criteria: Invitae Variant Classification Sherloc (09022015). Collection method: clinical testing. Allele origin: germline.
Comment: In summary, the available evidence is currently insufficient to determine the role of this variant in disease. Therefore, it has been classified as a Variant of Uncertain Significance. Advanced modeling of protein sequence and biophysical properties (such as structural, functional, and spatial information, amino acid conservation, physicochemical variation, residue mobility, and thermodynamic stability) performed at Invitae indicates that this missense variant is not expected to disrupt FAT4 protein function. This variant has not been reported in the literature in individuals affected with FAT4-related conditions. This variant is present in population databases (rs768575123, gnomAD 0.006%). This sequence change replaces arginine, which is basic and polar, with histidine, which is basic and polar, at codon 1807 of the FAT4 protein (p.Arg1807His).

NM_001291303.3(FAT4):c.5420G>A (p.Arg1807His)

Gene: FAT4 (FAT atypical cadherin 4; plus strand). Cytogenetic location: 4q28.1.
Variant type: single nucleotide variant.
Coding change: c.5420G>A on transcript NM_001291303.3 (MANE Select); coding-DNA position 5420, G replaced by A.
Protein change: p.Arg1807His; replaces arginine 1807 with histidine.
Molecular consequence: missense variant.
Genome position (GRCh38, 1-based): chr4:125,406,992, G>A. VCF-style: chr4-125406992-G-A. GRCh37 (hg19) VCF-style: chr4-126328147-G-A.
Other names: c.5420G>A, p.Arg1807His (NM_001291285.3, NM_024582.6); short protein forms R1807H.
Identifiers: ClinVar variation 2176638 (VCV002176638.4), dbSNP rs768575123, ClinGen allele CA3072714.